The following is an entry in ClinVar:

ClinVar aggregate classification (germline): Uncertain significance (1 of 4 stars; one submission).

Submission:

Ambry Genetics
Classification: Uncertain significance. Last evaluated: 2025-11-29. Review status: criteria provided, single submitter. Criteria: Ambry Variant Classification Scheme 2023. Collection method: clinical testing. Allele origin: germline.
Comment: The p.R356G variant (also known as c.1066A>G), located in coding exon 2 of the CDK12 gene, results from an A to G substitution at nucleotide position 1066. The arginine at codon 356 is replaced by glycine, an amino acid with dissimilar properties. This amino acid position is conserved. In addition, the in silico prediction for this alteration is inconclusive. Based on the available evidence, the clinical significance of this variant remains unclear.

NM_016507.4(CDK12):c.1066A>G (p.Arg356Gly)

Gene: CDK12 (cyclin dependent kinase 12; plus strand). Cytogenetic location: 17q12.
Variant type: single nucleotide variant.
Coding change: c.1066A>G on transcript NM_016507.4 (MANE Select); coding-DNA position 1066, A replaced by G.
Protein change: p.Arg356Gly; replaces arginine 356 with glycine.
Molecular consequence: missense variant.
Genome position (GRCh38, 1-based): chr17:39,470,898, A>G. VCF-style: chr17-39470898-A-G. GRCh37 (hg19) VCF-style: chr17-37627151-A-G.
Other names: c.1066A>G, p.Arg356Gly (NM_015083.4); short protein forms R356G.
Identifiers: ClinVar variation 4651471 (VCV004651471.1).
Genomic context (GRCh38, chr17:39,470,898, plus strand): 5'-CTGTAGTCCATTCATTTAAAACTGGCTTTTTATTTTTCCAGTAGGAAATCCATGAAGTCC[A>G]GAAGTAGAAGTCCTGCATATTCAAGACATTCATCTTCTCATAGTAAAAAGAAGAGATCCA-3'
Protein context (NP_057591.2, residues 346-366): PLPSRKSMKS[Arg356Gly]SRSPAYSRHS